The following is an entry in ClinVar:

NM_000368.5(TSC1):c.1843A>G (p.Thr615Ala)

Gene: TSC1 (TSC complex subunit 1; minus strand). Cytogenetic location: 9q34.13.
Variant type: single nucleotide variant.
Coding change: c.1843A>G on transcript NM_000368.5 (MANE Select); coding-DNA position 1843, A replaced by G.
Protein change: p.Thr615Ala; replaces threonine 615 with alanine.
Molecular consequence: missense variant. On other transcripts: non-coding transcript variant (5).
Genome position (GRCh38, 1-based): chr9:132,905,735, T>C on the plus strand (A>G on the coding strand, the complement: TSC1 is on the minus strand). VCF-style: chr9-132905735-T-C. GRCh37 (hg19) VCF-style: chr9-135781122-T-C.
Other names: c.1480A>G, p.Thr494Ala (NM_001406614.1, NM_001406615.1, NM_001406616.1 and 5 more transcripts); c.1477A>G, p.Thr493Ala (NM_001406620.1, NM_001406621.1, NM_001406622.1 and 2 more transcripts); c.1843A>G, p.Thr615Ala (NM_001406605.1, NM_001406606.1, NM_001406607.1 and 7 more transcripts); c.1840A>G, p.Thr614Ala (NM_001406608.1, NM_001406609.1, NM_001406597.1 and 6 more transcripts); c.1690A>G, p.Thr564Ala (NM_001406610.1, NM_001162427.2); c.1687A>G, p.Thr563Ala (NM_001406611.1, NM_001406612.1, NM_001406613.1); c.892A>G, p.Thr298Ala (NM_001406626.1); c.889A>G, p.Thr297Ala (NM_001406627.1, NM_001406628.1); and 1 more; short protein forms T297A, T493A, T564A, T615A, T494A, T563A, T614A, T264A.
Identifiers: ClinVar variation 4709650 (VCV004709650.3).
Genomic context (GRCh38, chr9:132,905,735, plus strand): 5'-TGTTTCCTTTTGCTTTCTTTAACAGCTCCTCAGTCTTCCTGATGACAAAATGATGGGCTG[T>C]CTTTGGCAATGCCACCTCAAAAAGATGATCATACGGGGGAGGCTGCCCGCTTCCAAAGCC-3'
Protein context (NP_000359.1, residues 605-625): DHLFEVALPK[Thr615Ala]AHHFVIRKTE

ClinVar aggregate classification (germline): Uncertain significance. Review status: criteria provided, multiple submitters, no conflicts (2 of 4 stars). 2 submissions from 2 submitters: Uncertain significance (2). Last evaluated 2025-08-06.

Conditions:
Tuberous sclerosis 1 (TSC1). Identifiers: Orphanet 805, MedGen C1854465, MONDO:0008612, OMIM 191100.

Submissions (2):

Labcorp Genetics (formerly Invitae), Labcorp
Classification: Uncertain significance for Tuberous sclerosis 1. Last evaluated: 2025-08-06. Review status: criteria provided, single submitter. Criteria: Invitae Variant Classification Sherloc (09022015). Collection method: clinical testing. Allele origin: germline.
Comment: This sequence change replaces threonine, which is neutral and polar, with alanine, which is neutral and non-polar, at codon 615 of the TSC1 protein (p.Thr615Ala). This variant is not present in population databases (gnomAD no frequency). This variant has not been reported in the literature in individuals affected with TSC1-related conditions. Invitae Evidence Modeling of protein sequence and biophysical properties (such as structural, functional, and spatial information, amino acid conservation, physicochemical variation, residue mobility, and thermodynamic stability) indicates that this missense variant is not expected to disrupt TSC1 protein function with a negative predictive value of 95%. In summary, the available evidence is currently insufficient to determine the role of this variant in disease. Therefore, it has been classified as a Variant of Uncertain Significance.

Dasa
Classification: Uncertain significance. Last evaluated: 2025-02-19. Review status: criteria provided, single submitter. Criteria: DASA Assertion Criteria. Collection method: clinical testing. Allele origin: germline.
Comment: NM_000368.5(TSC1):c.1843A>G (p.Thr615Ala) is a missense variant that results in the substitution of threonine with alanine. This variant is absent from population databases. Computational prediction algorithms are consistent with a benign effect. The currently available literature and clinical evidence are not sufficient to establish a definitive association between this variant and the reported condition. Therefore, this variant is classified as a variant of uncertain significance.